The following is an entry in ClinVar:

NM_001042432.2(CLN3):c.568G>A (p.Gly190Arg)

Gene: CLN3 (CLN3 lysosomal/endosomal transmembrane protein, battenin; minus strand). Cytogenetic location: 16p12.1.
Variant type: single nucleotide variant.
Coding change: c.568G>A on transcript NM_001042432.2 (MANE Select); coding-DNA position 568, G replaced by A.
Protein change: p.Gly190Arg; replaces glycine 190 with arginine.
Molecular consequence: missense variant.
Genome position (GRCh38, 1-based): chr16:28,486,456, C>T on the plus strand (G>A on the coding strand, the complement: CLN3 is on the minus strand). VCF-style: chr16-28486456-C-T. GRCh37 (hg19) VCF-style: chr16-28497777-C-T.
Other names: c.268G>A, p.Gly90Arg (NM_001286105.2); c.334G>A, p.Gly112Arg (NM_001286109.2); c.406G>A, p.Gly136Arg (NM_001286110.2); c.568G>A, p.Gly190Arg (NM_000086.2); c.496G>A, p.Gly166Arg (NM_001286104.2); short protein forms G190R, G112R, G136R, G90R, G166R.
Identifiers: ClinVar variation 574826 (VCV000574826.3), dbSNP rs1311480802, ClinGen allele CA395345424.

ClinVar aggregate classification (germline): Uncertain significance (1 of 4 stars; one submission).

Conditions:
Neuronal ceroid lipofuscinosis. Also called: Neuronal Ceroid Lipofuscinoses. Identifiers: Orphanet 216, Orphanet 79263, MedGen C0027877, MONDO:0016295. Disease mechanism: loss of function.

Allele frequency attached by ClinVar (database versions not stated): gnomAD exomes below 0.00001; TOPMed 0.00001; gnomAD 0.00003 and 0.00004.
gnomAD v4.1: 6 of 1,613,268 alleles (0.00037%); highest among the groups gnomAD compares: African/African-American, 0.008%; no homozygotes.

Submission:

Labcorp Genetics (formerly Invitae), Labcorp
Classification: Uncertain significance for Neuronal ceroid lipofuscinosis. Last evaluated: 2022-06-13. Review status: criteria provided, single submitter. Criteria: Invitae Variant Classification Sherloc (09022015). Collection method: clinical testing. Allele origin: germline.
Comment: This variant is present in population databases (no rsID available, gnomAD 0.01%). This sequence change replaces glycine, which is neutral and non-polar, with arginine, which is basic and polar, at codon 190 of the CLN3 protein (p.Gly190Arg). This variant has not been reported in the literature in individuals affected with CLN3-related conditions. In summary, the available evidence is currently insufficient to determine the role of this variant in disease. Therefore, it has been classified as a Variant of Uncertain Significance. Algorithms developed to predict the effect of missense changes on protein structure and function are either unavailable or do not agree on the potential impact of this missense change (SIFT: "Tolerated"; PolyPhen-2: "Probably Damaging"; Align-GVGD: "Class C0"). ClinVar contains an entry for this variant (Variation ID: 574826).